The following is an entry in ClinVar:

ClinVar aggregate classification (germline): Uncertain significance (1 of 4 stars; one submission).

Conditions:
Retinoblastoma (RB1). Also called: RETINOBLASTOMA, SOMATIC. Identifiers: Orphanet 790, MedGen C0035335, MeSH D012175, MONDO:0008380, OMIM 180200, HP:0009919. Disease mechanism: loss of function. Inheritance: Both sporadic and heritable forms are tested..

Submission:

Labcorp Genetics (formerly Invitae), Labcorp
Classification: Uncertain significance for Retinoblastoma. Last evaluated: 2023-11-18. Review status: criteria provided, single submitter. Criteria: Invitae Variant Classification Sherloc (09022015). Collection method: clinical testing. Allele origin: germline.
Comment: This variant occurs in a non-coding region of the RB1 gene. It does not change the encoded amino acid sequence of the RB1 protein. This variant is not present in population databases (gnomAD no frequency). This variant has not been reported in the literature in individuals affected with RB1-related conditions. Algorithms developed to predict the effect of sequence changes on RNA splicing suggest that this variant may create or strengthen a splice site. In summary, the available evidence is currently insufficient to determine the role of this variant in disease. Therefore, it has been classified as a Variant of Uncertain Significance.

NM_000321.3(RB1):c.-29C>G

Gene: RB1 (RB transcriptional corepressor 1; plus strand). Cytogenetic location: 13q14.2.
Variant type: single nucleotide variant.
Coding change: c.-29C>G on transcript NM_000321.3 (MANE Select); 29 bases upstream of the start codon, C replaced by G.
Molecular consequence: 5 prime UTR variant.
Genome position (GRCh38, 1-based): chr13:48,303,884, C>G. VCF-style: chr13-48303884-C-G. GRCh37 (hg19) VCF-style: chr13-48878020-C-G.
Other names: c.-29C>G (NM_001407165.1, NM_001407166.1, NM_001407167.1).
Identifiers: ClinVar variation 2767260 (VCV002767260.3), dbSNP rs2138026808, ClinGen allele CA2697551894.